The following is an entry in ClinVar:

NM_000271.5(NPC1):c.947G>A (p.Ser316Asn)

Gene: NPC1 (NPC intracellular cholesterol transporter 1; minus strand). Cytogenetic location: 18q11.2.
Variant type: single nucleotide variant.
Coding change: c.947G>A on transcript NM_000271.5 (MANE Select); coding-DNA position 947, G replaced by A.
Protein change: p.Ser316Asn; replaces serine 316 with asparagine.
Molecular consequence: missense variant.
Genome position (GRCh38, 1-based): chr18:23,557,125, C>T on the plus strand (G>A on the coding strand, the complement: NPC1 is on the minus strand). VCF-style: chr18-23557125-C-T. GRCh37 (hg19) VCF-style: chr18-21137089-C-T.
Other names: short protein forms S316N.
Identifiers: ClinVar variation 1517097 (VCV001517097.5), dbSNP rs1018014075, ClinGen allele CA297070116.

ClinVar aggregate classification (germline): Uncertain significance (1 of 4 stars; one submission).

Conditions:
Niemann-Pick disease, type C1. Also called: NIEMANN-PICK DISEASE, VARIANT TYPE C1; NEUROVISCERAL STORAGE DISEASE WITH VERTICAL SUPRANUCLEAR OPHTHALMOPLEGIA; NIEMANN-PICK DISEASE WITH CHOLESTEROL ESTERIFICATION BLOCK; NIEMANN-PICK DISEASE WITHOUT SPHINGOMYELINASE DEFICIENCY; NIEMANN-PICK DISEASE, CHRONIC NEURONOPATHIC FORM. Identifiers: Orphanet 646, MedGen C3179455, MONDO:0009757, OMIM 257220.

Allele frequency attached by ClinVar (database versions not stated): TOPMed 0.00001.

Submission:

Labcorp Genetics (formerly Invitae), Labcorp
Classification: Uncertain significance for Niemann-Pick disease, type C1. Last evaluated: 2021-08-31. Review status: criteria provided, single submitter. Criteria: Invitae Variant Classification Sherloc (09022015). Collection method: clinical testing. Allele origin: germline.
Comment: This sequence change replaces serine with asparagine at codon 316 of the NPC1 protein (p.Ser316Asn). The serine residue is weakly conserved and there is a small physicochemical difference between serine and asparagine. This variant is not present in population databases (ExAC no frequency). This variant has not been reported in the literature in individuals affected with NPC1-related conditions. Advanced modeling of protein sequence and biophysical properties (such as structural, functional, and spatial information, amino acid conservation, physicochemical variation, residue mobility, and thermodynamic stability) performed at Invitae indicates that this missense variant is not expected to disrupt NPC1 protein function. In summary, the available evidence is currently insufficient to determine the role of this variant in disease. Therefore, it has been classified as a Variant of Uncertain Significance.